The following is an entry in ClinVar:

NM_001098511.3(KIF2A):c.1329T>C (p.Leu443=)

Gene: KIF2A (kinesin family member 2A; plus strand). Cytogenetic location: 5q12.1.
Variant type: single nucleotide variant.
Coding change: c.1329T>C on transcript NM_001098511.3 (MANE Select); coding-DNA position 1329, T replaced by C.
Protein change: p.Leu443=; no amino-acid change (leucine 443 retained).
Molecular consequence: synonymous variant.
Genome position (GRCh38, 1-based): chr5:62,363,761, T>C. VCF-style: chr5-62363761-T-C. GRCh37 (hg19) VCF-style: chr5-61659588-T-C.
Other names: c.1248T>C, p.Leu416= (NM_001243952.2); c.1272T>C, p.Leu424= (NM_001243953.2); c.1329T>C, p.Leu443= (NM_004520.5); c.1329T>C (NM_001098511.2).
Identifiers: ClinVar variation 1600275 (VCV001600275.10), dbSNP rs750092067, ClinGen allele CA3278967.

ClinVar aggregate classification (germline): Benign. Review status: criteria provided, single submitter (1 of 4 stars). 2 submissions from 2 submitters: Benign (1). 1 of the submissions does not count toward it. Last evaluated 2025-11-10.

Conditions:
KIF2A-related disorder. Also called: KIF2A-related condition.

Allele frequency attached by ClinVar (database versions not stated): gnomAD 0.00002; gnomAD exomes 0.00005 and 0.00012; TOPMed 0.00008; ExAC 0.00016.
gnomAD v4.1: 31 of 1,613,842 alleles (0.0019%); highest among the groups gnomAD compares: Admixed American, 0.052%; no homozygotes.

Submissions (2):

Labcorp Genetics (formerly Invitae), Labcorp
Classification: Benign. Last evaluated: 2025-11-10. Review status: criteria provided, single submitter. Criteria: Invitae Variant Classification Sherloc (09022015). Collection method: clinical testing. Allele origin: germline.

PreventionGenetics, part of Exact Sciences
Classification: Likely benign for KIF2A-related condition. Last evaluated: 2019-06-13. Review status: no assertion criteria provided. Collection method: clinical testing. Allele origin: germline. Not counted in ClinVar's aggregate classification.
Comment: This variant is classified as likely benign based on ACMG/AMP sequence variant interpretation guidelines (Richards et al. 2015 PMID: 25741868, with internal and published modifications).